The following is an entry in ClinVar:

NM_003002.4(SDHD):c.53-8T>C

Gene: SDHD (succinate dehydrogenase complex subunit D; plus strand). Cytogenetic location: 11q23.1.
Variant type: single nucleotide variant.
Coding change: c.53-8T>C on transcript NM_003002.4 (MANE Select); 8 bases into the intron before coding-DNA position 53, T replaced by C.
Molecular consequence: intron variant.
Genome position (GRCh38, 1-based): chr11:112,087,849, T>C. VCF-style: chr11-112087849-T-C. GRCh37 (hg19) VCF-style: chr11-111958573-T-C.
Other names: c.53-8T>C (NM_001276506.2, NM_001276503.2); c.52+890T>C (NM_001276504.2).
Identifiers: ClinVar variation 3904371 (VCV003904371.1).

ClinVar aggregate classification (germline): Likely benign (1 of 4 stars; one submission).

Conditions:
Pheochromocytoma/paraganglioma syndrome 1. Also called: PARAGANGLIOMAS, FAMILIAL NONCHROMAFFIN, 1; PGL 1; Paragangliomas familial 1; PARAGANGLIOMATA; Paragangliomas 1; Glomus tumors familial 1. Identifiers: Orphanet 29072, MedGen C3494181, MONDO:0008192, OMIM 168000.

Submission:

Myriad Genetics, Inc.
Classification: Likely benign for Pheochromocytoma/paraganglioma syndrome 1. Last evaluated: 2025-03-17. Review status: criteria provided, single submitter. Criteria: Myriad Autosomal Dominant, Autosomal Recessive and X-Linked Classification Criteria (2023). Collection method: clinical testing. Allele origin: unknown.
Comment: This variant is considered likely benign. This variant is intronic and is not expected to impact mRNA splicing.